The following is an entry in ClinVar:

NM_000051.4(ATM):c.7465_7466delinsGT (p.Ser2489Val)

Genes: C11orf65 (chromosome 11 open reading frame 65; minus strand), ATM (ATM serine/threonine kinase; plus strand). Cytogenetic location: 11q22.3.
Variant type: Indel.
Coding change: c.7465_7466delinsGT on transcript NM_000051.4 (MANE Select); coding-DNA positions 7465 to 7466, TC replaced by GT.
Protein change: p.Ser2489Val; replaces serine 2489 with valine.
Molecular consequence: missense variant. On other transcripts: intron variant (2).
Genome position (GRCh38, 1-based): chr11:108,330,371-108,330,372, TC replaced by GT. VCF-style: chr11-108330371-TC-GT. GRCh37 (hg19) VCF-style: chr11-108201098-TC-GT.
Other names: c.7465_7466delinsGT, p.Ser2489Val (NM_001351834.2); c.641-21301_641-21300delinsAC (NM_001330368.2); c.*38+4848_*38+4849delinsAC (NM_001351110.2); short protein forms S2489V.
Identifiers: ClinVar variation 1759032 (VCV001759032.2), dbSNP rs2547263745, ClinGen allele CA2580083369.

ClinVar aggregate classification (germline): Uncertain significance (1 of 4 stars; one submission).

Conditions:
Hereditary cancer-predisposing syndrome. Also called: Hereditary neoplastic syndrome; Neoplastic Syndromes, Hereditary; Tumor predisposition; Hereditary Cancer Syndrome. Identifiers: Orphanet 140162, MedGen C0027672, MeSH D009386, MONDO:0015356.

Submission:

Ambry Genetics
Classification: Uncertain significance for Hereditary cancer-predisposing syndrome. Last evaluated: 2021-06-01. Review status: criteria provided, single submitter. Criteria: Ambry Variant Classification Scheme 2023. Collection method: clinical testing. Allele origin: germline.
Comment: The c.7465_7466delTCinsGT variant, located in coding exon 49 of the ATM gene, results from an in-frame deletion of TC and insertion of GT at nucleotide positions 7465 to 7466. This results in the substitution of the serine residue for a valine residue, an amino acid with dissimilar properties, at codon 2489. This amino acid position is highly conserved in available vertebrate species. Since supporting evidence is limited at this time, the clinical significance of this alteration remains unclear.